The following is an entry in ClinVar:

ClinVar aggregate classification (germline): Uncertain significance (1 of 4 stars; one submission).

Conditions:
Autosomal dominant nonsyndromic hearing loss 1. Also called: KONIGSMARK SYNDROME; DEAFNESS, AUTOSOMAL DOMINANT 1, WITH OR WITHOUT THROMBOCYTOPENIA. Identifiers: Orphanet 90635, MedGen C1852282, MONDO:0007424, OMIM 124900.
Progressive microcephaly-seizures-cortical blindness-developmental delay syndrome. Also called: Seizures, cortical blindness, and microcephaly syndrome. Identifiers: Orphanet 477814, MedGen C5567650, MONDO:0014714, OMIM 616632.

Submission:

Labcorp Genetics (formerly Invitae), Labcorp
Classification: Uncertain significance for Progressive microcephaly-seizures-cortical blindness-developmental delay syndrome; Autosomal dominant nonsyndromic hearing loss 1. Last evaluated: 2023-03-20. Review status: criteria provided, single submitter. Criteria: Invitae Variant Classification Sherloc (09022015). Collection method: clinical testing. Allele origin: germline.
Comment: This variant is not present in population databases (gnomAD no frequency). This variant has not been reported in the literature in individuals affected with DIAPH1-related conditions. ClinVar contains an entry for this variant (Variation ID: 1372330). Algorithms developed to predict the effect of missense changes on protein structure and function output the following: SIFT: "Not Available"; PolyPhen-2: "Not Available"; Align-GVGD: "Not Available". The alanine amino acid residue is found in multiple mammalian species, which suggests that this missense change does not adversely affect protein function. In summary, the available evidence is currently insufficient to determine the role of this variant in disease. Therefore, it has been classified as a Variant of Uncertain Significance. This sequence change replaces glycine, which is neutral and non-polar, with alanine, which is neutral and non-polar, at codon 603 of the DIAPH1 protein (p.Gly603Ala).

NM_005219.5(DIAPH1):c.1808G>C (p.Gly603Ala)

Gene: DIAPH1 (diaphanous related formin 1; minus strand). Cytogenetic location: 5q31.3.
Variant type: single nucleotide variant.
Coding change: c.1808G>C on transcript NM_005219.5 (MANE Select); coding-DNA position 1808, G replaced by C.
Protein change: p.Gly603Ala; replaces glycine 603 with alanine.
Molecular consequence: missense variant.
Genome position (GRCh38, 1-based): chr5:141,574,042, C>G on the plus strand (G>C on the coding strand, the complement: DIAPH1 is on the minus strand). VCF-style: chr5-141574042-C-G. GRCh37 (hg19) VCF-style: chr5-140953609-C-G.
Other names: c.1781G>C, p.Gly594Ala (NM_001079812.3); c.1808G>C, p.Gly603Ala (NM_001314007.2); short protein forms G594A, G603A.
Identifiers: ClinVar variation 1372330 (VCV001372330.8), dbSNP rs779887319, ClinGen allele CA361520999.
Genomic context (GRCh38, chr5:141,574,042, plus strand): 5'-CCAGGCAAAGGAGGTGGAGGAGGAGGAGGAGGAGGAGGAGGAGGAGGAGTGGTACTATCC[C>G]CAGGAGCAGGTGGTGGTGGAATAATAGTGCCAGAGTCACCAGGTAAAGGAGGGGCAGGGG-3'
Protein context (NP_005210.3, residues 593-613): GTIIPPPPAP[Gly603Ala]DSTTPPPPPP